The following is an entry in ClinVar:

ClinVar aggregate classification (germline): Conflicting classifications of pathogenicity. Review status: criteria provided, conflicting classifications (1 of 4 stars). 5 submissions from 5 submitters: Uncertain significance (1); Benign (2); Likely benign (2). Last evaluated 2026-01-24.

Conditions:
Autosomal recessive nonsyndromic hearing loss 3. Also called: NEUROSENSORY NONSYNDROMIC RECESSIVE DEAFNESS 3. Identifiers: Orphanet 90636, MedGen C1838263, MONDO:0010860, OMIM 600316.

Allele frequency attached by ClinVar (database versions not stated): ESP Exome Variant Server 0.00031; gnomAD exomes 0.00108 and 0.00285; gnomAD 0.00132 and 0.00159; TOPMed 0.00138; ExAC 0.00290; 1000 Genomes Project 0.00619; 1000 Genomes Project 30x 0.00640.

Submissions (5):

Labcorp Genetics (formerly Invitae), Labcorp
Classification: Benign. Last evaluated: 2026-01-24. Review status: criteria provided, single submitter. Criteria: Invitae Variant Classification Sherloc (09022015). Collection method: clinical testing. Allele origin: germline.

Blueprint Genetics
Classification: Likely benign. Last evaluated: 2024-11-18. Review status: criteria provided, single submitter. Criteria: ACMG Guidelines, 2015. Collection method: clinical testing. Allele origin: germline.

GeneDx
Classification: Likely benign. Last evaluated: 2019-01-07. Review status: criteria provided, single submitter. Criteria: GeneDx Variant Classification Process June 2021. Collection method: clinical testing. Allele origin: germline. Affected: yes.

Illumina Laboratory Services, Illumina
Classification: Uncertain significance for Autosomal recessive nonsyndromic hearing loss 3. Last evaluated: 2017-04-28. Review status: criteria provided, single submitter. Criteria: ICSL Variant Classification Criteria 13 December 2019. Collection method: clinical testing. Allele origin: germline.

Laboratory for Molecular Medicine, Mass General Brigham Personalized Medicine
Classification: Benign. Last evaluated: 2015-04-17. Review status: criteria provided, single submitter. Criteria: LMM Criteria. Collection method: clinical testing. Allele origin: germline. Observed: 4 variant alleles.
Comment: 4655+11G>A in Intron 14 of MYO15A: This variant is not expected to have clinical significance because has been identified in 2.6% (223/8612) of East Asian chrom osomes including 1 homozygote by the by the Exome Aggregation Consortium (ExAC; dbSNP rs117021471).

NM_016239.4(MYO15A):c.4655+11G>A

Gene: MYO15A (myosin XVA; plus strand). Cytogenetic location: 17p11.2.
Variant type: single nucleotide variant.
Coding change: c.4655+11G>A on transcript NM_016239.4 (MANE Select); 11 bases into the intron after coding-DNA position 4655, G replaced by A.
Molecular consequence: intron variant.
Genome position (GRCh38, 1-based): chr17:18,136,486, G>A. VCF-style: chr17-18136486-G-A. GRCh37 (hg19) VCF-style: chr17-18039800-G-A.
Identifiers: ClinVar variation 164521 (VCV000164521.18), dbSNP rs117021471, ClinGen allele CA177223.